The following is an entry in ClinVar:

NM_000179.3(MSH6):c.3940C>T (p.Gln1314Ter)

Gene: MSH6 (mutS homolog 6; plus strand). Cytogenetic location: 2p16.3.
Variant type: single nucleotide variant.
Coding change: c.3940C>T on transcript NM_000179.3 (MANE Select); coding-DNA position 3940, C replaced by T.
Protein change: p.Gln1314Ter; replaces glutamine 1314 with a stop codon.
Molecular consequence: nonsense.
Genome position (GRCh38, 1-based): chr2:47,806,590, C>T. VCF-style: chr2-47806590-C-T. GRCh37 (hg19) VCF-style: chr2-48033729-C-T.
Other names: c.3550C>T, p.Gln1184Ter (NM_001281492.2); c.3034C>T, p.Gln1012Ter (NM_001281493.2, NM_001281494.2); short protein forms Q1314*, Q1184*, Q1012*.
Identifiers: ClinVar variation 433929 (VCV000433929.7), dbSNP rs1416452389, ClinGen allele CA346761501.
Genomic context (GRCh38, chr2:47,806,590, plus strand): 5'-TGTCCTAAAAGCTATGGCTTTAATGCAGCAAGGCTTGCTAATCTCCCAGAGGAAGTTATT[C>T]AAAAGGGACATAGAAAAGCAAGAGAATTTGAGAAGATGAATCAGTCACTACGATTATTTC-3'

ClinVar aggregate classification (germline): Pathogenic. Review status: criteria provided, multiple submitters, no conflicts (2 of 4 stars). 4 submissions from 4 submitters: Pathogenic (3). 1 of the submissions does not count toward it. Last evaluated 2026-08-11.

Conditions:
Hereditary nonpolyposis colorectal neoplasms. Identifiers: MedGen C0009405, MeSH D003123.
Hereditary cancer-predisposing syndrome. Also called: Neoplastic Syndromes, Hereditary; Hereditary neoplastic syndrome; Hereditary Cancer Syndrome; Tumor predisposition. Identifiers: Orphanet 140162, MedGen C0027672, MeSH D009386, MONDO:0015356.
Lynch syndrome 5 (LYNCH5). Also called: Colorectal cancer, hereditary nonpolyposis, type 5; Hereditary non-polyposis colorectal cancer, type 5. Identifiers: Orphanet 144, MedGen C1833477, MONDO:0013710, OMIM 614350. Disease mechanism: loss of function.
Carcinoma of colon (CRC). Also called: Colon carcinoma; Colonic carcinoma. Identifiers: MedGen C0699790, MONDO:0002032.

Submissions (4):

Ambry Genetics
Classification: Pathogenic for Hereditary cancer-predisposing syndrome. Last evaluated: 2026-08-11. Review status: criteria provided, single submitter. Criteria: Ambry Variant Classification Scheme 2023. Collection method: clinical testing. Allele origin: germline.
Comment: The p.Q1314* pathogenic mutation (also known as c.3940C>T), located in coding exon 9 of the MSH6 gene, results from a C to T substitution at nucleotide position 3940. This changes the amino acid from a glutamine to a stop codon within coding exon 9. This variant is considered to be rare based on population cohorts in the Genome Aggregation Database (gnomAD). This alteration is expected to result in loss of function by premature protein truncation or nonsense-mediated mRNA decay. As such, this alteration is interpreted as a disease-causing mutation.

Labcorp Genetics (formerly Invitae), Labcorp
Classification: Pathogenic for Hereditary nonpolyposis colorectal neoplasms. Last evaluated: 2026-01-04. Review status: criteria provided, single submitter. Criteria: Invitae Variant Classification Sherloc (09022015). Collection method: clinical testing. Allele origin: germline.
Comment: This sequence change creates a premature translational stop signal (p.Gln1314*) in the MSH6 gene. It is expected to result in an absent or disrupted protein product. Loss-of-function variants in MSH6 are known to be pathogenic (PMID: 18269114, 24362816). This variant is not present in population databases (gnomAD no frequency). This variant has not been reported in the literature in individuals affected with MSH6-related conditions. ClinVar contains an entry for this variant (Variation ID: 433929). Algorithms developed to predict the effect of sequence changes on RNA splicing suggest that this variant may disrupt the consensus splice site. For these reasons, this variant has been classified as Pathogenic.

Myriad Genetics, Inc.
Classification: Pathogenic for Lynch syndrome 5. Last evaluated: 2023-08-28. Review status: criteria provided, single submitter. Criteria: Myriad Autosomal Dominant, Autosomal Recessive and X-Linked Classification Criteria (2023). Collection method: clinical testing. Allele origin: unknown.
Comment: This variant is considered pathogenic. This variant creates a termination codon and is predicted to result in premature protein truncation.

Department of Pathology and Laboratory Medicine, Sinai Health System
Classification: Pathogenic for Carcinoma of colon. Review status: no assertion criteria provided. Collection method: clinical testing. Allele origin: unknown. Affected: yes. Study: The Canadian Open Genetics Repository (COGR). Not counted in ClinVar's aggregate classification.
Comment: MSH6, EXON09, c.3940C>T, p.Gln1314*, Heterozygous, PathogenicrnThe MSH6 p.Gln1314* variant was not identified in the literature, nor was it identified in the dbSNP, NHLBI Exome Sequencing Project (Exome Variant Server), Exome Aggregation Consortium (ExAC), HGMD, COSMIC, MutDB, â€šÃ„ÃºMismatch Repair Genes Variant Databaseâ€šÃ„Ã¹, â€šÃ„ÃºMMR Gene Unclassified Variants Databaseâ€šÃ„Ã¹, InSiGHT Colon Cancer Gene Variant Database, â€šÃ„ÃºZhejiang Colon Cancer Databaseâ€šÃ„Ã¹, ClinVar, GeneInsight VariantWire or UMD. The p.Gln1314* variant leads to a premature stop codon at position 1314, which is predicted to lead to a truncated or absent protein and loss of function. Loss of function variants of the MSH6 gene are an established mechanism of disease in Lynch syndrome and this is the type of variant expected to cause the disorder. In summary, based on the above information, this variant meets our laboratoryâ€šÃ„Ã´s criteria to be classified as pathogenic. Assessment Date: 2014/12/18.

Literature cited by the submitters: PubMed 18269114 (cited by Labcorp Genetics (formerly Invitae), Labcorp); PubMed 24362816 (cited by Labcorp Genetics (formerly Invitae), Labcorp).